The following is an entry in ClinVar:

NM_019032.6(ADAMTSL4):c.826_836del (p.Arg276fs)

Genes: ADAMTSL4 (ADAMTS like 4; plus strand), ADAMTSL4-AS2 (ADAMTSL4 antisense RNA 2; minus strand). Cytogenetic location: 1q21.2.
Variant type: Deletion.
Coding change: c.826_836del on transcript NM_019032.6 (MANE Select); coding-DNA positions 826 to 836, 11 bases deleted (CGTGCATCCCC).
Protein change: p.Arg276fs; shifts the reading frame from arginine 276.
Molecular consequence: frameshift variant.
Genome position (GRCh38, 1-based): chr1:150,553,817-150,553,827, CGTGCATCCCC deleted; deleting any 11 consecutive bases within chr1:150,553,816-150,553,827 gives the same sequence; the c. name uses the placement nearest the transcript's 3' end. VCF-style (leftmost placement, unchanged base first): chr1-150553815-TCCGTGCATCCC-T. GRCh37 (hg19) VCF-style: chr1-150526291-TCCGTGCATCCC-T.
Other names: c.826_836del, p.Arg276fs (NM_001288607.2, NM_001288608.2, NM_001378596.1 and 1 more transcripts); short protein forms R276fs.
Identifiers: ClinVar variation 39556 (VCV000039556.5), dbSNP rs794726688, ClinGen allele CA261177.
Genomic context (GRCh38, chr1:150,553,815, plus strand): 5'-CCCAGGCCTCTGGCACAGAGCCCCCCTCACCCACGCACTCCTTAGGAGAAGGTGGCTTCT[TCCGTGCATCCC>T]CTCAGCCACGAAGGCCAAGTTCCCAGGGTTGGGCCAGTCCCCAGGTAGCAGGGAGACGCC-3'

ClinVar aggregate classification (germline): Pathogenic. Review status: criteria provided, multiple submitters, no conflicts (2 of 4 stars). 4 submissions from 3 submitters: Pathogenic (2). 2 of the submissions do not count toward it. Last evaluated 2024-10-30.

Conditions:
ADAMTSL4-related disorder. Also called: ADAMTSL4-Related Disorders; ADAMTSL4-related condition.
Ectopia lentis et pupillae. Also called: ECTOPIA LENTIS WITH ECTOPIA OF PUPIL. Identifiers: Orphanet 1885, MedGen C1644196, MONDO:0009153, OMIM 225200.
Ectopia lentis 2, isolated, autosomal recessive (ECTOL2). Identifiers: Orphanet 1885, MedGen C3541474, MONDO:0009152, OMIM 225100.

Submissions (4):

Labcorp Genetics (formerly Invitae), Labcorp
Classification: Pathogenic. Last evaluated: 2024-10-30. Review status: criteria provided, single submitter. Criteria: Invitae Variant Classification Sherloc (09022015). Collection method: clinical testing. Allele origin: germline.
Comment: This sequence change creates a premature translational stop signal (p.Arg276Serfs*21) in the ADAMTSL4 gene. It is expected to result in an absent or disrupted protein product. Loss-of-function variants in ADAMTSL4 are known to be pathogenic (PMID: 20564469, 28642162). This variant is present in population databases (rs754883702, gnomAD 0.1%), including at least one homozygous and/or hemizygous individual. This premature translational stop signal has been observed in individual(s) with ectopia lentis (PMID: 20564469). ClinVar contains an entry for this variant (Variation ID: 39556). For these reasons, this variant has been classified as Pathogenic.

Blueprint Genetics
Classification: Pathogenic for ADAMTSL4-related disorders. Last evaluated: 2024-08-08. Review status: criteria provided, single submitter. Criteria: ACMG Guidelines, 2015. Collection method: clinical testing. Allele origin: germline. Affected: yes. Observed: 5 variant alleles.

OMIM
Classification: Pathogenic for ECTOPIA LENTIS 2, ISOLATED, AUTOSOMAL RECESSIVE. Last evaluated: 2010-08-01. Review status: no assertion criteria provided. Collection method: literature only. Allele origin: germline. Not counted in ClinVar's aggregate classification.

OMIM
Classification: Pathogenic for ECTOPIA LENTIS ET PUPILLAE. Last evaluated: 2010-08-01. Review status: no assertion criteria provided. Collection method: literature only. Allele origin: germline. Not counted in ClinVar's aggregate classification.

Literature cited by the submitters: PubMed 20564469 (cited by Labcorp Genetics (formerly Invitae), Labcorp and OMIM); PubMed 28642162 (cited by Labcorp Genetics (formerly Invitae), Labcorp).